The following is an entry in ClinVar:

ClinVar aggregate classification (germline): Likely pathogenic (1 of 4 stars; one submission).

Conditions:
Tay-Sachs disease (TSD). Also called: Hexosaminidase A Deficiency; HEXA Disorders; GM2 gangliosidosis, type 1; Hexosaminidase alpha-subunit deficiency (variant B); Sphingolipidosis, Tay-Sachs; HEXA DEFICIENCY. Identifiers: Orphanet 845, MedGen C0039373, MONDO:0010100, OMIM 272800.

Submission:

Myriad Genetics, Inc.
Classification: Likely pathogenic for Tay-Sachs disease. Last evaluated: 2019-06-07. Review status: criteria provided, single submitter. Criteria: Myriad Women's Health Autosomal Recessive and X-Linked Classification Criteria (2019). Collection method: clinical testing. Allele origin: unknown.
Comment: NM_000520.4(HEXA):c.284T>A(L95*) is expected to be pathogenic in the context of hexosaminidase A deficiency. This variant is predicted to lead to an abnormal or absent protein product due to the creation of a premature termination codon in HEXA, a gene where loss-of-function variants are known to be pathogenic. Please note: this variant was assessed in the context of healthy population screening.

NM_000520.6(HEXA):c.284T>A (p.Leu95Ter)

Gene: HEXA (hexosaminidase subunit alpha; minus strand). Cytogenetic location: 15q23.
Variant type: single nucleotide variant.
Coding change: c.284T>A on transcript NM_000520.6 (MANE Select); coding-DNA position 284, T replaced by A.
Protein change: p.Leu95Ter; replaces leucine 95 with a stop codon.
Molecular consequence: nonsense. On other transcripts: non-coding transcript variant (1).
Genome position (GRCh38, 1-based): chr15:72,356,587, A>T on the plus strand (T>A on the coding strand, the complement: HEXA is on the minus strand). VCF-style: chr15-72356587-A-T. GRCh37 (hg19) VCF-style: chr15-72648928-A-T.
Other names: c.317T>A, p.Leu106Ter (NM_001318825.2); short protein forms L106*, L95*.
Identifiers: ClinVar variation 984040 (VCV000984040.3), dbSNP rs2088784856, ClinGen allele CA393067497.